The following is an entry in ClinVar:

ClinVar aggregate classification (germline): Pathogenic. Review status: criteria provided, single submitter (1 of 4 stars). 2 submissions from 2 submitters: Pathogenic (1). 1 of the submissions does not count toward it. Last evaluated 2023-10-22.

Conditions:
Ehlers-Danlos syndrome, spondylodysplastic type, 3. Also called: Ehlers-Danlos syndrome, spondylocheirodysplastic type. Identifiers: Orphanet 157965, MedGen C2676510, MONDO:0012873, OMIM 612350.

Submissions (2):

Labcorp Genetics (formerly Invitae), Labcorp
Classification: Pathogenic for Ehlers-Danlos syndrome, spondylodysplastic type, 3. Last evaluated: 2023-10-22. Review status: criteria provided, single submitter. Criteria: Invitae Variant Classification Sherloc (09022015). Collection method: clinical testing. Allele origin: germline.
Comment: This variant, c.483_491del, results in the deletion of 3 amino acid(s) of the SLC39A13 protein (p.Phe162_Ala164del), but otherwise preserves the integrity of the reading frame. This variant is present in population databases (no rsID available, gnomAD 0.0009%). This variant has been observed in individuals with spondylocheiro dysplastic Ehlers Danlos syndrome (PMID: 18513683, 32295219). It has also been observed to segregate with disease in related individuals. ClinVar contains an entry for this variant (Variation ID: 2132). Algorithms developed to predict the effect of variants on protein structure and function are not available or were not evaluated for this variant. Experimental studies have shown that this variant affects SLC39A13 function (PMID: 25007800). For these reasons, this variant has been classified as Pathogenic.

OMIM
Classification: Pathogenic for EHLERS-DANLOS SYNDROME, SPONDYLODYSPLASTIC TYPE, 3. Last evaluated: 2008-06-01. Review status: no assertion criteria provided. Collection method: literature only. Allele origin: germline. Not counted in ClinVar's aggregate classification.

Literature cited by the submitters: PubMed 18513683 (cited by Labcorp Genetics (formerly Invitae), Labcorp and OMIM); PubMed 32295219 (cited by Labcorp Genetics (formerly Invitae), Labcorp); PubMed 25007800 (cited by Labcorp Genetics (formerly Invitae), Labcorp).

NM_001128225.3(SLC39A13):c.483_491del (p.Phe162_Ala164del)

Gene: SLC39A13 (solute carrier family 39 member 13; plus strand). Cytogenetic location: 11p11.2.
Variant type: Deletion.
Coding change: c.483_491del on transcript NM_001128225.3 (MANE Select); coding-DNA positions 483 to 491, 9 bases deleted (CTTCCTGGC; older notation c.483_491delCTTCCTGGC).
Protein change: p.Phe162_Ala164del.
Molecular consequence: inframe deletion. On other transcripts: non-coding transcript variant (1).
Genome position (GRCh38, 1-based): chr11:47,412,413-47,412,421, CTTCCTGGC deleted; deleting any 9 consecutive bases within chr11:47,412,412-47,412,421 gives the same sequence; the c. name uses the placement nearest the transcript's 3' end. VCF-style (leftmost placement, unchanged base first): chr11-47412411-ACCTTCCTGG-A. GRCh37 (hg19) VCF-style: chr11-47433962-ACCTTCCTGG-A.
Other names: c.483_491del, p.Phe162_Ala164del (NM_001330245.2, NM_152264.5).
Identifiers: ClinVar variation 2132 (VCV000002132.4), dbSNP rs1333436792, ClinGen allele CA599374690.
Genomic context (GRCh38, chr11:47,412,411, plus strand): 5'-GAGGGGCAGAGCCTGCAGCAGCAGCAACAGCTGGGGCTGTGGGTCATTGCTGGCATCCTG[ACCTTCCTGG>A]CGTTGGAGAAGATGTTCCTGGACAGCAAGGAGGAGGGGACCAGCCAGGTGGGCCCCACAC-3'